The following is an entry in ClinVar:

ClinVar aggregate classification (germline): Uncertain significance. Review status: criteria provided, multiple submitters, no conflicts (2 of 4 stars). 2 submissions from 2 submitters: Uncertain significance (2). Last evaluated 2025-08-30.

Conditions:
Inborn genetic diseases. Identifiers: MedGen C0950123, MeSH D030342.

Allele frequency attached by ClinVar (database versions not stated): gnomAD exomes 0.00002.
gnomAD v4.1: 5 of 1,613,922 alleles (0.00031%); highest among the groups gnomAD compares: Admixed American, 0.0083%; no homozygotes.

Submissions (2):

Ambry Genetics
Classification: Uncertain significance for Inborn genetic diseases. Last evaluated: 2025-08-30. Review status: criteria provided, single submitter. Criteria: Ambry Variant Classification Scheme 2023. Collection method: clinical testing. Allele origin: germline.

Labcorp Genetics (formerly Invitae), Labcorp
Classification: Uncertain significance. Last evaluated: 2021-04-04. Review status: criteria provided, single submitter. Criteria: Invitae Variant Classification Sherloc (09022015). Collection method: clinical testing. Allele origin: germline.
Comment: Algorithms developed to predict the effect of missense changes on protein structure and function (SIFT, PolyPhen-2, Align-GVGD) all suggest that this variant is likely to be tolerated, but these predictions have not been confirmed by published functional studies and their clinical significance is uncertain. In summary, the available evidence is currently insufficient to determine the role of this variant in disease. Therefore, it has been classified as a Variant of Uncertain Significance. This variant has not been reported in the literature in individuals with COL13A1-related conditions. This variant is not present in population databases (ExAC no frequency). This sequence change replaces methionine with leucine at codon 225 of the COL13A1 protein (p.Met225Leu). The methionine residue is weakly conserved and there is a small physicochemical difference between methionine and leucine.

NM_001368882.1(COL13A1):c.685-1207A>C

Gene: COL13A1 (collagen type XIII alpha 1 chain; plus strand). Cytogenetic location: 10q22.1.
Variant type: single nucleotide variant.
Coding change: c.685-1207A>C on transcript NM_001368882.1 (MANE Select); 1207 bases into the intron before coding-DNA position 685, A replaced by C.
Molecular consequence: intron variant. On other transcripts: missense variant (4).
Genome position (GRCh38, 1-based): chr10:69,897,490, A>C. VCF-style: chr10-69897490-A-C. GRCh37 (hg19) VCF-style: chr10-71657246-A-C.
Other names: c.673A>C, p.Met225Leu (NM_001130103.2, NM_080801.4, NM_080802.4); c.586A>C, p.Met196Leu (NM_080805.4); c.685-1207A>C (NM_001320951.2, NM_001368884.1); c.658-1207A>C (NM_080800.4); c.85-1207A>C (NM_001368886.1); c.649-1207A>C (NM_001368883.1, NM_001368885.1); c.571-1207A>C (NM_001368897.1); c.595-1207A>C (NM_001368895.1); and 2 more; short protein forms M196L, M225L.
Identifiers: ClinVar variation 1461877 (VCV001461877.9), dbSNP rs1380115554, ClinGen allele CA376933203.